The following is an entry in ClinVar:

ClinVar aggregate classification (germline): Uncertain significance (1 of 4 stars; one submission).

gnomAD v4.1: 1 of 1,602,998 alleles (0.000062%); highest among the groups gnomAD compares: South Asian, 0.0011%; no homozygotes.

Submission:

Mayo Clinic Laboratories, Mayo Clinic
Classification: Uncertain significance. Last evaluated: 2025-05-21. Review status: criteria provided, single submitter. Criteria: ACMG Guidelines, 2015. Collection method: clinical testing. Allele origin: germline. Observed: 1 variant allele.
Comment: BP4_moderate, PM2_supporting

NM_004782.4(SNAP29):c.517A>C (p.Thr173Pro)

Gene: SNAP29 (synaptosome associated protein 29; plus strand). Cytogenetic location: 22q11.21.
Variant type: single nucleotide variant.
Coding change: c.517A>C on transcript NM_004782.4 (MANE Select); coding-DNA position 517, A replaced by C.
Protein change: p.Thr173Pro; replaces threonine 173 with proline.
Molecular consequence: missense variant.
Genome position (GRCh38, 1-based): chr22:20,881,131, A>C. VCF-style: chr22-20881131-A-C. GRCh37 (hg19) VCF-style: chr22-21235419-A-C.
Other names: p.Thr173Pro; short protein forms T173P.
Identifiers: ClinVar variation 4542432 (VCV004542432.1).